The following is an entry in ClinVar:

NM_130839.5(UBE3A):c.2032del (p.Gln678fs)

Genes: SNHG14 (small nucleolar RNA host gene 14; plus strand), UBE3A (ubiquitin protein ligase E3A; minus strand). Cytogenetic location: 15q11.2.
Variant type: Deletion.
Coding change: c.2032del on transcript NM_130839.5 (MANE Select); coding-DNA position 2032, one base deleted (C; older notation c.2032delC).
Protein change: p.Gln678fs; shifts the reading frame from glutamine 678.
Molecular consequence: frameshift variant. On other transcripts: non-coding transcript variant (1), intron variant (1).
Genome position (GRCh38, 1-based): chr15:25,355,984, G deleted on the plus strand (C on the coding strand, the reverse complement: UBE3A is on the minus strand); the first of 2 consecutive G bases (chr15:25,355,984-25,355,985); deleting either gives the same sequence. VCF-style (leftmost placement, unchanged base first): chr15-25355983-TG-T. GRCh37 (hg19) VCF-style: chr15-25601130-TG-T.
Other names: c.2041del, p.Gln681fs (NM_000462.5); c.2032del, p.Gln678fs (NM_001354505.1, NM_001354538.2, NM_001354545.2); c.1972del, p.Gln658fs (NM_001354506.2, NM_001354507.2, NM_001354508.2 and 16 more transcripts); c.1855del, p.Gln619fs (NM_001354546.2); c.781del, p.Gln261fs (NM_001354550.2); c.721del, p.Gln241fs (NM_001354551.2); c.1899+707del (NM_001354549.2); short protein forms Q678fs, Q681fs, Q658fs, Q241fs, Q261fs, Q619fs.
Identifiers: ClinVar variation 155965 (VCV000155965.1), dbSNP rs587781214, ClinGen allele CA333336.
Genomic context (GRCh38, chr15:25,355,983, plus strand): 5'-TCACCATTTTCCTTTAGATCATACATCATTGGGTTACCAAAAAGATCTGTCTGTGATATC[TG>T]GAAAGTGATCATCATGTCATCTTCCACATTCCCTTCATACTCCAATAAATCTTTTAAACT-3'

ClinVar aggregate classification (germline): Pathogenic (0 of 4 stars; one submission).

Conditions:
Angelman syndrome (AS). Also called: HAPPY PUPPET SYNDROME. Identifiers: Orphanet 72, MedGen C0162635, MONDO:0007113, OMIM 105830. Disease mechanism: loss of function. Inheritance: AS is caused by disruption of maternally imprinted UBE3A located within the 15q11.2-q13 Angelman syndrome/Prader-Willi syndrome (AS/PWS) region., imprinting disorder.

Submission:

Baylor Genetics
Classification: Pathogenic for Angelman Syndrome. Last evaluated: 2014-02-14. Review status: no assertion criteria provided. Collection method: clinical testing. Allele origin: germline. Affected: yes. Observed: 1 variant allele. Study: UBE3A Mutation Study.
Comment: Data collected from clinical UBE3A sequence analysis results

Literature cited by the submitters: PubMed 25212744.